The following is an entry in ClinVar:

ClinVar aggregate classification (germline): Uncertain significance. Review status: criteria provided, multiple submitters, no conflicts (2 of 4 stars). 2 submissions from 2 submitters: Uncertain significance (2). Last evaluated 2022-02-27.

Conditions:
Inborn genetic diseases. Identifiers: MedGen C0950123, MeSH D030342.
Charcot-Marie-Tooth disease type 4. Also called: Charcot-Marie-Tooth, Type 4; Charcot-Marie-Tooth disease, type IV. Identifiers: Orphanet 64749, MedGen C4082197, MONDO:0018995.

Allele frequency attached by ClinVar (database versions not stated): gnomAD exomes below 0.00001; TOPMed 0.00001; gnomAD 0.00001.
gnomAD v4.1: 6 of 1,613,844 alleles (0.00037%); highest among the groups gnomAD compares: Non-Finnish European, 0.00051%; no homozygotes.

Submissions (2):

Labcorp Genetics (formerly Invitae), Labcorp
Classification: Uncertain significance for Charcot-Marie-Tooth disease type 4. Last evaluated: 2022-02-27. Review status: criteria provided, single submitter. Criteria: Invitae Variant Classification Sherloc (09022015). Collection method: clinical testing. Allele origin: germline.
Comment: This variant has not been reported in the literature in individuals affected with SBF2-related conditions. ClinVar contains an entry for this variant (Variation ID: 543346). Algorithms developed to predict the effect of missense changes on protein structure and function output the following: SIFT: "Tolerated"; PolyPhen-2: "Benign"; Align-GVGD: "Class C0". The valine amino acid residue is found in multiple mammalian species, which suggests that this missense change does not adversely affect protein function. In summary, the available evidence is currently insufficient to determine the role of this variant in disease. Therefore, it has been classified as a Variant of Uncertain Significance. This variant is not present in population databases (gnomAD no frequency). This sequence change replaces isoleucine, which is neutral and non-polar, with valine, which is neutral and non-polar, at codon 811 of the SBF2 protein (p.Ile811Val).

Ambry Genetics
Classification: Uncertain significance for Inborn genetic diseases. Last evaluated: 2020-11-10. Review status: criteria provided, single submitter. Criteria: Ambry Variant Classification Scheme 2023. Collection method: clinical testing. Allele origin: germline.
Comment: The p.I811V variant (also known as c.2431A>G), located in coding exon 20 of the SBF2 gene, results from an A to G substitution at nucleotide position 2431. The isoleucine at codon 811 is replaced by valine, an amino acid with highly similar properties. This amino acid position is not well conserved in available vertebrate species, and valine is the reference amino acid in other vertebrate species. In addition, this alteration is predicted to be tolerated by in silico analysis. Since supporting evidence is limited at this time, the clinical significance of this alteration remains unclear.

NM_030962.4(SBF2):c.2431A>G (p.Ile811Val)

Genes: SBF2 (SET binding factor 2; minus strand), LOC101928008 (uncharacterized LOC101928008; plus strand). Cytogenetic location: 11p15.4.
Variant type: single nucleotide variant.
Coding change: c.2431A>G on transcript NM_030962.4 (MANE Select); coding-DNA position 2431, A replaced by G.
Protein change: p.Ile811Val; replaces isoleucine 811 with valine.
Molecular consequence: missense variant.
Genome position (GRCh38, 1-based): chr11:9,853,645, T>C on the plus strand (A>G on the coding strand, the complement: SBF2 is on the minus strand). VCF-style: chr11-9853645-T-C. GRCh37 (hg19) VCF-style: chr11-9875192-T-C.
Other names: c.2431A>G, p.Ile811Val (NM_001386339.1); c.2302A>G, p.Ile768Val (NM_001386342.1); short protein forms I811V, I768V.
Identifiers: ClinVar variation 543346 (VCV000543346.11), dbSNP rs764765082, ClinGen allele CA217620769.